The following is an entry in ClinVar:

NM_001284236.3(ZFYVE16):c.3910C>A (p.Gln1304Lys)

Gene: ZFYVE16 (zinc finger FYVE-type containing 16; plus strand). Cytogenetic location: 5q14.1.
Variant type: single nucleotide variant.
Coding change: c.3910C>A on transcript NM_001284236.3 (MANE Select); coding-DNA position 3910, C replaced by A.
Protein change: p.Gln1304Lys; replaces glutamine 1304 with lysine.
Molecular consequence: missense variant. On other transcripts: non-coding transcript variant (3).
Genome position (GRCh38, 1-based): chr5:80,457,059, C>A. VCF-style: chr5-80457059-C-A. GRCh37 (hg19) VCF-style: chr5-79752878-C-A.
Other names: c.3910C>A, p.Gln1304Lys (NM_001105251.4, NM_001349434.2, NM_014733.6); short protein forms Q1304K.
Identifiers: ClinVar variation 3765782 (VCV003765782.1).

ClinVar aggregate classification (germline): Uncertain significance (1 of 4 stars; one submission).

Submission:

Greenwood Genetic Center Diagnostic Laboratories, Greenwood Genetic Center
Classification: Uncertain significance. Last evaluated: 2024-11-21. Review status: criteria provided, single submitter. Criteria: ACMG Guidelines, 2015. Collection method: clinical testing. Allele origin: germline. Affected: yes.
Comment: Gene of Uncertain Significance